The following is an entry in ClinVar:

NM_001371279.1(REEP1):c.499C>G (p.Pro167Ala)

Gene: REEP1 (receptor accessory protein 1; minus strand). Cytogenetic location: 2p11.2.
Variant type: single nucleotide variant.
Coding change: c.499C>G on transcript NM_001371279.1 (MANE Select); coding-DNA position 499, C replaced by G.
Protein change: p.Pro167Ala; replaces proline 167 with alanine.
Molecular consequence: missense variant. On other transcripts: synonymous variant (1), intron variant (1).
Genome position (GRCh38, 1-based): chr2:86,232,721, G>C on the plus strand (C>G on the coding strand, the complement: REEP1 is on the minus strand). VCF-style: chr2-86232721-G-C. GRCh37 (hg19) VCF-style: chr2-86459844-G-C.
Other names: c.520C>G, p.Pro174Ala (NM_001164730.2); c.418C>G, p.Pro140Ala (NM_001164731.2); c.264C>G, p.Leu88= (NM_001164732.2); c.499C>G, p.Pro167Ala (NM_001410855.1, NM_001410856.1, NM_022912.3); c.418-15611C>G (NM_001371280.1); short protein forms P174A, P167A, P140A.
Identifiers: ClinVar variation 4707606 (VCV004707606.1).

ClinVar aggregate classification (germline): Uncertain significance (1 of 4 stars; one submission).

Conditions:
Hereditary spastic paraplegia 31. Also called: SPASTIC PARAPLEGIA 31, AUTOSOMAL DOMINANT. Identifiers: Orphanet 101011, MedGen C1853247, MONDO:0012453, OMIM 610250.

gnomAD v4.1: 7 of 1,609,716 alleles (0.00043%); highest among the groups gnomAD compares: East Asian, 0.0022%; no homozygotes.

Submission:

Labcorp Genetics (formerly Invitae), Labcorp
Classification: Uncertain significance for Hereditary spastic paraplegia 31. Last evaluated: 2025-12-03. Review status: criteria provided, single submitter. Criteria: Invitae Variant Classification Sherloc (09022015). Collection method: clinical testing. Allele origin: germline.
Comment: This sequence change replaces proline, which is neutral and non-polar, with alanine, which is neutral and non-polar, at codon 167 of the REEP1 protein (p.Pro167Ala). This variant is present in population databases (no rsID available, gnomAD 0.006%). This variant has not been reported in the literature in individuals affected with REEP1-related conditions. An algorithm developed to predict the effect of missense changes on protein structure and function (PolyPhen-2) suggests that this variant is likely to be disruptive. In summary, the available evidence is currently insufficient to determine the role of this variant in disease. Therefore, it has been classified as a Variant of Uncertain Significance.